The following is an entry in ClinVar:

NM_001382430.1(AKT1):c.68G>A (p.Arg23Gln)

Gene: AKT1 (AKT serine/threonine kinase 1; minus strand). Cytogenetic location: 14q32.33.
Variant type: single nucleotide variant.
Coding change: c.68G>A on transcript NM_001382430.1 (MANE Select); coding-DNA position 68, G replaced by A.
Protein change: p.Arg23Gln; replaces arginine 23 with glutamine.
Molecular consequence: missense variant.
Genome position (GRCh38, 1-based): chr14:104,780,195, C>T on the plus strand (G>A on the coding strand, the complement: AKT1 is on the minus strand). VCF-style: chr14-104780195-C-T. GRCh37 (hg19) VCF-style: chr14-105246532-C-T.
Other names: c.68G>A, p.Arg23Gln (NM_001014431.2, NM_001014432.2, NM_001382431.1 and 3 more transcripts); short protein forms R23Q.
Identifiers: ClinVar variation 998789 (VCV000998789.9), dbSNP rs1892954317, ClinGen allele CA391221777.

ClinVar aggregate classification (germline): Uncertain significance. Review status: criteria provided, multiple submitters, no conflicts (2 of 4 stars). 2 submissions from 2 submitters: Uncertain significance (2). Last evaluated 2023-06-11.

Conditions:
Cowden syndrome 6 (CWS6). Identifiers: Orphanet 201, MedGen C3554519, MONDO:0014048, OMIM 615109.

Allele frequency attached by ClinVar (database versions not stated): gnomAD exomes below 0.00001.

Submissions (2):

Labcorp Genetics (formerly Invitae), Labcorp
Classification: Uncertain significance for Cowden syndrome 6. Last evaluated: 2023-06-11. Review status: criteria provided, single submitter. Criteria: Invitae Variant Classification Sherloc (09022015). Collection method: clinical testing. Allele origin: germline.
Comment: This sequence change replaces arginine, which is basic and polar, with glutamine, which is neutral and polar, at codon 23 of the AKT1 protein (p.Arg23Gln). In summary, the available evidence is currently insufficient to determine the role of this variant in disease. Therefore, it has been classified as a Variant of Uncertain Significance. An algorithm developed to predict the effect of missense changes on protein structure and function (PolyPhen-2) suggests that this variant is likely to be disruptive. ClinVar contains an entry for this variant (Variation ID: 998789). This variant has not been reported in the literature in individuals affected with AKT1-related conditions. This variant is not present in population databases (gnomAD no frequency).

Breakthrough Genomics
Classification: Uncertain significance. Review status: criteria provided, single submitter. Criteria: ACMG Guidelines, 2015. Collection method: not provided. Allele origin: germline. Inheritance: Autosomal dominant inheritance. Affected: yes.